The following is an entry in ClinVar:

NM_021922.3(FANCE):c.1507A>T (p.Asn503Tyr)

Gene: FANCE (FA complementation group E; plus strand). Cytogenetic location: 6p21.31.
Variant type: single nucleotide variant.
Coding change: c.1507A>T on transcript NM_021922.3 (MANE Select); coding-DNA position 1507, A replaced by T.
Protein change: p.Asn503Tyr; replaces asparagine 503 with tyrosine.
Molecular consequence: missense variant.
Genome position (GRCh38, 1-based): chr6:35,462,912, A>T. VCF-style: chr6-35462912-A-T. GRCh37 (hg19) VCF-style: chr6-35430689-A-T.
Other names: short protein forms N503Y.
Identifiers: ClinVar variation 1426398 (VCV001426398.6), dbSNP rs2150901658, ClinGen allele CA363778113.
Genomic context (GRCh38, chr6:35,462,912, plus strand): 5'-GCCACCACCTCCATGGCCTATGCCAAGCTCATGCTGACAGTGATGACCAAGTATCAGGCT[A>T]ACGTGAGTATTGATAGGGCCTTGGGGCTGGTCCTGCTGGCAGGGCTGCCCTGGGCCTGCC-3'
Protein context (NP_068741.1, residues 493-513): MLTVMTKYQA[Asn503Tyr]ITETQRLGLA

ClinVar aggregate classification (germline): Uncertain significance (1 of 4 stars; one submission).

Conditions:
Fanconi anemia complementation group E (FANCE). Also called: FANCE-Related Fanconi Anemia. Identifiers: Orphanet 84, MedGen C3160739, MONDO:0010953, OMIM 600901.

gnomAD v4.1: 1 of 1,614,180 alleles (0.000062%); highest among the groups gnomAD compares: Non-Finnish European, 0.000085%; no homozygotes.

Submission:

Labcorp Genetics (formerly Invitae), Labcorp
Classification: Uncertain significance for Fanconi anemia complementation group E. Last evaluated: 2022-06-13. Review status: criteria provided, single submitter. Criteria: Invitae Variant Classification Sherloc (09022015). Collection method: clinical testing. Allele origin: germline.
Comment: In summary, the available evidence is currently insufficient to determine the role of this variant in disease. Therefore, it has been classified as a Variant of Uncertain Significance. Algorithms developed to predict the effect of missense changes on protein structure and function are either unavailable or do not agree on the potential impact of this missense change (SIFT: "Deleterious"; PolyPhen-2: "Possibly Damaging"; Align-GVGD: "Class C0"). This variant has not been reported in the literature in individuals affected with FANCE-related conditions. This variant is not present in population databases (gnomAD no frequency). This sequence change replaces asparagine, which is neutral and polar, with tyrosine, which is neutral and polar, at codon 503 of the FANCE protein (p.Asn503Tyr).